The following is an entry in ClinVar:

NM_022772.4(EPS8L2):c.594C>T (p.Ile198=)

Genes: EPS8L2 (EPS8 signaling adaptor L2; plus strand), LOC130005078 (ATAC-STARR-seq lymphoblastoid silent region 3018; plus strand). Cytogenetic location: 11p15.5.
Variant type: single nucleotide variant.
Coding change: c.594C>T on transcript NM_022772.4 (MANE Select); coding-DNA position 594, C replaced by T.
Protein change: p.Ile198=; no amino-acid change (isoleucine 198 retained).
Molecular consequence: synonymous variant.
Genome position (GRCh38, 1-based): chr11:721,100, C>T. VCF-style: chr11-721100-C-T. GRCh37 (hg19) VCF-style: chr11-721100-C-T.
Identifiers: ClinVar variation 3352300 (VCV003352300.1).
Genomic context (GRCh38, chr11:721,100, plus strand): 5'-GAGCAGGACCCCCTCGCCCTCCAGGGGACACCAGGAGAAGATTCGGCAGCGGCAGTCCAT[C>T]CTGCCTCCTCCCCAGGGCCCGGCGCCCATCCCCTTCCAGCACCGCGGCGGGGATTCCCCG-3'
Protein context (NP_073609.2, residues 188-208): HQEKIRQRQS[Ile198=]LPPPQGPAPI

ClinVar aggregate classification (germline): Likely benign (0 of 4 stars; one submission).

Conditions:
EPS8L2-related disorder. Also called: EPS8L2-related condition.

gnomAD v4.1: 12 of 1,527,908 alleles (0.00079%); highest among the groups gnomAD compares: Non-Finnish European, 0.0011%; no homozygotes.

Submission:

PreventionGenetics, part of Exact Sciences
Classification: Likely benign for EPS8L2-related condition. Last evaluated: 2019-06-24. Review status: no assertion criteria provided. Collection method: clinical testing. Allele origin: germline.
Comment: This variant is classified as likely benign based on ACMG/AMP sequence variant interpretation guidelines (Richards et al. 2015 PMID: 25741868, with internal and published modifications).